The following is an entry in ClinVar:

ClinVar aggregate classification (germline): Pathogenic (1 of 4 stars; one submission).

Conditions:
Autism spectrum disorder - epilepsy - arthrogryposis syndrome (AMRS). Identifiers: Orphanet 370943, MedGen C3809910, MONDO:0014248, OMIM 615553.

Submission:

Labcorp Genetics (formerly Invitae), Labcorp
Classification: Pathogenic for Autism spectrum disorder - epilepsy - arthrogryposis syndrome. Last evaluated: 2020-05-13. Review status: criteria provided, single submitter. Criteria: Invitae Variant Classification Sherloc (09022015). Collection method: clinical testing. Allele origin: germline.
Comment: This sequence change inserts a large fragment of DNA, likely a transposable element, in exon 3 of the SLC35A3 gene (c.234_235insSVA), causing a frameshift at codon 79 (p.Asn79fs). The exact size and sequence of the insertion cannot be determined by the current assay. However, the insertion is expected to result in an absent or disrupted protein product. This variant has not been reported in the literature in individuals with SLC35A3-related conditions. Retrotransposon insertions including LINE1 (L1), Alu, and SVA (SINE-VNTR-Alu) have been reported to be disease-causing through disruption of either a coding region or splice site (PMID: 19763152, 20307669, 22406018) and loss-of-function variants in SLC35A3 are known to be pathogenic (PMID: 24031089, 28328131). For these reasons, this variant has been classified as Pathogenic.

Literature cited by the submitters: PubMed 19763152; PubMed 20307669; PubMed 22406018; PubMed 24031089; PubMed 28328131.

NM_012243.3(SLC35A3):c.234_235insTTTTTTTTNNNNNNNNNNTTTTTTTTTTTTTTTTTTTTTTTTTTTTTTTTTTTTTTTTTTTTTTTTTTCATGATGAAATTCTT (p.Asn79fs)

Gene: SLC35A3 (solute carrier family 35 member A3; plus strand). Cytogenetic location: 1p21.2.
Variant type: Insertion.
Coding change: c.234_235insTTTTTTTTNNNNNNNNNNTTTTTTTTTTTTTTTTTTTTTTTTTTTTTTTTTTTTTTTTTTTTTTTTTTCATGATGAAATTCTT on transcript NM_012243.3 (MANE Select); coding-DNA positions 234 to 235, TTTTTTTTNNNNNNNNNNTTTTTTTTTTTTTTTTTTTTTTTTTTTTTTTTTTTTTTTTTTTTTTTTTTCATGATGAAATTCTT inserted.
Protein change: p.Asn79fs; shifts the reading frame from asparagine 79.
Molecular consequence: frameshift variant.
Genome position: GRCh38: chr1:99,999,307-99,999,308. GRCh37 (hg19): chr1:100,464,863-100,464,864.
Other names: c.234_235insTTTTTTTTNNNNNNNNNNTTTTTTTTTTTTTTTTTTTTTTTTTTTTTTTTTTTTTTTTTTTTTTTTTTCATGATGAAATTCTT, p.Asn79fs (NM_001271684.2); c.360_361insTTTTTTTTNNNNNNNNNNTTTTTTTTTTTTTTTTTTTTTTTTTTTTTTTTTTTTTTTTTTTTTTTTTTCATGATGAAATTCTT, p.Asn121fs (NM_001271685.2); short protein forms N121fs, N79fs.
Identifiers: ClinVar variation 1069535 (VCV001069535.5), dbSNP rs2101195764.